The following is an entry in ClinVar:

NM_000179.3(MSH6):c.3686A>C (p.Asn1229Thr)

Gene: MSH6 (mutS homolog 6; plus strand). Cytogenetic location: 2p16.3.
Variant type: single nucleotide variant.
Coding change: c.3686A>C on transcript NM_000179.3 (MANE Select); coding-DNA position 3686, A replaced by C.
Protein change: p.Asn1229Thr; replaces asparagine 1229 with threonine.
Molecular consequence: missense variant.
Genome position (GRCh38, 1-based): chr2:47,806,243, A>C. VCF-style: chr2-47806243-A-C. GRCh37 (hg19) VCF-style: chr2-48033382-A-C.
Other names: c.3296A>C, p.Asn1099Thr (NM_001281492.2); c.2780A>C, p.Asn927Thr (NM_001281493.2, NM_001281494.2, NM_001406814.1 and 6 more transcripts); c.3782A>C, p.Asn1261Thr (NM_001406795.1, NM_001406802.1); c.3686A>C, p.Asn1229Thr (NM_001406796.1, NM_001406800.1, NM_001406808.1 and 1 more transcripts); c.3389A>C, p.Asn1130Thr (NM_001406797.1, NM_001406801.1, NM_001406818.1 and 10 more transcripts); c.3512A>C, p.Asn1171Thr (NM_001406798.1); c.3161A>C, p.Asn1054Thr (NM_001406799.1, NM_001406806.1, NM_001406807.1); c.3692A>C, p.Asn1231Thr (NM_001406813.1); and 7 more; short protein forms N1173T, N1261T, N178T, N544T, N1130T, N1171T, N156T, N1229T.
Identifiers: ClinVar variation 1733920 (VCV001733920.2), dbSNP rs730881807, ClinGen allele CA346760925.

ClinVar aggregate classification (germline): Uncertain significance (1 of 4 stars; one submission).

Conditions:
Hereditary cancer-predisposing syndrome. Also called: Neoplastic Syndromes, Hereditary; Tumor predisposition; Hereditary Cancer Syndrome; Hereditary neoplastic syndrome. Identifiers: Orphanet 140162, MedGen C0027672, MeSH D009386, MONDO:0015356.

Submission:

Ambry Genetics
Classification: Uncertain significance for Hereditary cancer-predisposing syndrome. Last evaluated: 2022-01-16. Review status: criteria provided, single submitter. Criteria: Ambry Variant Classification Scheme 2023. Collection method: clinical testing. Allele origin: germline.
Comment: The p.N1229T variant (also known as c.3686A>C), located in coding exon 8 of the MSH6 gene, results from an A to C substitution at nucleotide position 3686. The asparagine at codon 1229 is replaced by threonine, an amino acid with similar properties. This amino acid position is conserved. In addition, this alteration is predicted to be tolerated by in silico analysis. Since supporting evidence is limited at this time, the clinical significance of this alteration remains unclear.